The following is an entry in ClinVar:

ClinVar aggregate classification (germline): Uncertain significance (1 of 4 stars; one submission).

gnomAD v4.1: 4 of 1,613,986 alleles (0.00025%); highest among the groups gnomAD compares: South Asian, 0.0044%; no homozygotes.

Submission:

Women's Health and Genetics/Laboratory Corporation of America, LabCorp
Classification: Uncertain significance. Last evaluated: 2026-02-02. Review status: criteria provided, single submitter. Criteria: LabCorp Variant Classification Summary - May 2015. Collection method: clinical testing. Allele origin: germline.
Comment: Variant summary: MACF1 c.3825A>T (p.Glu1275Asp) results in a conservative amino acid change in the encoded protein sequence. Algorithms developed to predict the effect of missense changes on protein structure and function all suggest that this variant is likely to be tolerated. The variant allele was found at a frequency of 8e-06 in 251094 control chromosomes. The available data on variant occurrences in the general population are insufficient to allow any conclusion about variant significance. To our knowledge, no occurrence of c.3825A>T in individuals affected with MACF1-related conditions and no experimental evidence demonstrating its impact on protein function have been reported. No submitters have cited clinical-significance assessments for this variant to ClinVar. Based on the evidence outlined above, the variant was classified as uncertain significance.

NM_001394062.1(MACF1):c.3810A>T (p.Glu1270Asp)

Gene: MACF1 (microtubule actin crosslinking factor 1; plus strand). Cytogenetic location: 1p34.3.
Variant type: single nucleotide variant.
Coding change: c.3810A>T on transcript NM_001394062.1 (MANE Select); coding-DNA position 3810, A replaced by T.
Protein change: p.Glu1270Asp; replaces glutamic acid 1270 with aspartic acid.
Molecular consequence: missense variant.
Genome position (GRCh38, 1-based): chr1:39,318,480, A>T. VCF-style: chr1-39318480-A-T. GRCh37 (hg19) VCF-style: chr1-39784152-A-T.
Other names: c.3825A>T, p.Glu1275Asp (NM_012090.5); short protein forms E1270D, E1275D.
Identifiers: ClinVar variation 4848136 (VCV004848136.1).